The following is an entry in ClinVar:

ClinVar aggregate classification (germline): Likely benign (1 of 4 stars; one submission).

Allele frequency attached by ClinVar (database versions not stated): ExAC 0.00006; gnomAD 0.00014; TOPMed 0.00014; 1000 Genomes Project 30x 0.00016; ESP Exome Variant Server 0.00017.
gnomAD v4.1: 349 of 1,544,922 alleles (0.023%); highest among the groups gnomAD compares: Middle Eastern, 0.21%; 1 homozygote.

Submission:

CeGaT Center for Human Genetics Tuebingen
Classification: Likely benign. Last evaluated: 2022-09-01. Review status: criteria provided, single submitter. Criteria: CeGaT Center For Human Genetics Tuebingen Variant Classification Criteria Version 2. Collection method: clinical testing. Allele origin: germline. Affected: yes. Observed: 1 variant allele.
Comment: PELP1: BP4, BP7

NM_014389.3(PELP1):c.3009C>T (p.Pro1003=)

Gene: PELP1 (proline, glutamate and leucine rich protein 1; minus strand). Cytogenetic location: 17p13.2.
Variant type: single nucleotide variant.
Coding change: c.3009C>T on transcript NM_014389.3 (MANE Select); coding-DNA position 3009, C replaced by T.
Protein change: p.Pro1003=; no amino-acid change (proline 1003 retained).
Molecular consequence: synonymous variant. On other transcripts: intron variant (1).
Genome position (GRCh38, 1-based): chr17:4,671,982, G>A on the plus strand (C>T on the coding strand, the complement: PELP1 is on the minus strand). VCF-style: chr17-4671982-G-A. GRCh37 (hg19) VCF-style: chr17-4575277-G-A.
Other names: c.2437-100C>T (NM_001278241.2).
Identifiers: ClinVar variation 2647267 (VCV002647267.24), dbSNP rs372758488, ClinGen allele CA8307521.
Genomic context (GRCh38, chr17:4,671,982, plus strand): 5'-AGCTGTGTCAGCCCCACGCTCCTCCTCCGTCCCTGGCTCCTCCACTTCCAAAAGCAGCCC[G>A]GGTTCAGGTTCGGGTTCTGGCTGCACCTTTGGGGGAGACTCAGGGGGAGGCAGAGCTGGA-3'
Protein context (NP_055204.4, residues 993-1013): PKVQPEPEPE[Pro1003=]GLLLEVEEPG